The following is an entry in ClinVar:

NM_001308093.3(GATA4):c.802G>C (p.Val268Leu)

Gene: GATA4 (GATA binding protein 4). Cytogenetic location: 8p23.1.
Variant type: single nucleotide variant.
Coding change: c.802G>C on transcript NM_001308093.3 (MANE Select); coding-DNA position 802, G replaced by C.
Protein change: p.Val268Leu; replaces valine 268 with leucine.
Molecular consequence: missense variant. On other transcripts: intron variant (1).
Genome position (GRCh38, 1-based): chr8:11,750,126, G>C. VCF-style: chr8-11750126-G-C. GRCh37 (hg19) VCF-style: chr8-11607635-G-C.
Other names: c.181G>C, p.Val61Leu (NM_001308094.2, NM_001374273.1); c.799G>C, p.Val267Leu (NM_002052.5); c.165+1041G>C (NM_001374274.1); short protein forms V267L, V268L, V61L.
Identifiers: ClinVar variation 1321571 (VCV001321571.10), dbSNP rs116781972, ClinGen allele CA370312926.
Genomic context (GRCh38, chr8:11,750,126, plus strand): 5'-CACACCTTTTACTTGGACATGAAGCATTTGTTTCCTGTCTTGCAGTCCGCCTCCCGCCGA[G>C]TGGGCCTCTCCTGTGCCAACTGCCAGACCACCACCACCACGCTGTGGCGCCGCAATGCGG-3'
Protein context (NP_001295022.1, residues 258-278): PQRRLSASRR[Val268Leu]GLSCANCQTT

ClinVar aggregate classification (germline): Conflicting classifications of pathogenicity. Review status: criteria provided, conflicting classifications (1 of 4 stars). 3 submissions from 3 submitters: Uncertain significance (2); Likely benign (1). Last evaluated 2025-12-08.

Conditions:
Atrioventricular septal defect 4 (AVSD4). Identifiers: MedGen C3280781, MONDO:0013747, OMIM 614430.

gnomAD v4.1: 14 of 1,614,022 alleles (0.00087%); highest among the groups gnomAD compares: Non-Finnish European, 0.0012%; no homozygotes.

Submissions (3):

Labcorp Genetics (formerly Invitae), Labcorp
Classification: Uncertain significance for Atrioventricular septal defect 4. Last evaluated: 2025-12-08. Review status: criteria provided, single submitter. Criteria: Invitae Variant Classification Sherloc (09022015). Collection method: clinical testing. Allele origin: germline.
Comment: This sequence change replaces valine, which is neutral and non-polar, with leucine, which is neutral and non-polar, at codon 267 of the GATA4 protein (p.Val267Leu). This variant is present in population databases (no rsID available, gnomAD 0.0009%). This variant has not been reported in the literature in individuals affected with GATA4-related conditions. ClinVar contains an entry for this variant (Variation ID: 1321571). Invitae Evidence Modeling of protein sequence and biophysical properties (such as structural, functional, and spatial information, amino acid conservation, physicochemical variation, residue mobility, and thermodynamic stability) indicates that this missense variant is not expected to disrupt GATA4 protein function with a negative predictive value of 95%. In summary, the available evidence is currently insufficient to determine the role of this variant in disease. Therefore, it has been classified as a Variant of Uncertain Significance.

GeneDx
Classification: Uncertain significance. Last evaluated: 2024-09-24. Review status: criteria provided, single submitter. Criteria: GeneDx Variant Classification Process June 2021. Collection method: clinical testing. Allele origin: germline. Affected: yes.
Comment: Has not been previously published as pathogenic or benign to our knowledge; Not observed at significant frequency in large population cohorts (gnomAD); In silico analysis indicates that this missense variant does not alter protein structure/function

Blueprint Genetics
Classification: Likely benign. Last evaluated: 2024-03-23. Review status: criteria provided, single submitter. Criteria: ACMG Guidelines, 2015. Collection method: clinical testing. Allele origin: germline.